The following is an entry in ClinVar:

NM_001267550.2(TTN):c.36267_36280+16del

Gene: TTN (titin; minus strand). Cytogenetic location: 2q31.2.
Variant type: Deletion.
Coding change: c.36267_36280+16del on transcript NM_001267550.2 (MANE Select); coding-DNA position 36267 through 16 bases into the intron after coding-DNA position 36280, 30 bases deleted (TGTACCTGTCAAAGGTACATTCTTAACTGT).
Molecular consequence: splice donor variant. On other transcripts: intron variant (5).
Genome position (GRCh38, 1-based): chr2:178,664,444-178,664,473, ACAGTTAAGAATGTACCTTTGACAGGTACA deleted on the plus strand (TGTACCTGTCAAAGGTACATTCTTAACTGT on the coding strand, the reverse complement: TTN is on the minus strand); deleting any 30 consecutive bases within chr2:178,664,444-178,664,475 gives the same sequence; the c. name uses the placement nearest the transcript's 3' end. VCF-style (leftmost placement, unchanged base first): chr2-178664443-GACAGTTAAGAATGTACCTTTGACAGGTACA-G. GRCh37 (hg19) VCF-style: chr2-179529170-GACAGTTAAGAATGTACCTTTGACAGGTACA-G.
Other names: c.31484-1418_31484-1389del30 (NM_133378.4); c.13283-22156_13283-22127del (NM_003319.4); c.13859-22156_13859-22127del (NM_133437.4); c.13658-22156_13658-22127del (NM_133432.3); c.31484-1418_31484-1389del (NM_133378.4); c.34265-1418_34265-1389del (NM_001256850.1).
Identifiers: ClinVar variation 809022 (VCV000809022.22), dbSNP rs745871962, ClinGen allele CA1997584.

ClinVar aggregate classification (germline): Conflicting classifications of pathogenicity. Review status: criteria provided, conflicting classifications (1 of 4 stars). 5 submissions from 5 submitters: Likely pathogenic (2); Uncertain significance (3). Last evaluated 2026-01-04.

Conditions:
Primary familial dilated cardiomyopathy (FDC). Also called: Familial dilated cardiomyopathy; Hypokinetic dilated cardiomyopathy, familial. Identifiers: Orphanet 217607, MedGen C0340427, MONDO:0016333.
Hypertrophic cardiomyopathy 9. Also called: Familial hypertrophic cardiomyopathy 9. Identifiers: MedGen C1861065, MONDO:0013412, OMIM 613765.
Dilated cardiomyopathy 1G (CMD1G). Identifiers: Orphanet 154, MedGen C1858763, MONDO:0011400, OMIM 604145.
Autosomal recessive limb-girdle muscular dystrophy type 2J (LGMDR10). Also called: Limb-girdle muscular dystrophy, type 2J; MUSCULAR DYSTROPHY, LIMB-GIRDLE, AUTOSOMAL RECESSIVE 10. Identifiers: Orphanet 140922, MedGen C1837342, MONDO:0012127, OMIM 608807.
Early-onset myopathy with fatal cardiomyopathy (CMYO5). Also called: Salih Myopathy; CONGENITAL MYOPATHY 5 WITH CARDIOMYOPATHY. Identifiers: Orphanet 289377, MedGen C2673677, MONDO:0012714, OMIM 611705. Disease mechanism: loss of function.
Tibial muscular dystrophy (TMD). Also called: UDD MYOPATHY; Udd Distal Myopathy – Tibial Muscular Dystrophy; Tibial muscular dystrophy, tardive. Identifiers: Orphanet 609, MedGen C1838244, MONDO:0010870, OMIM 600334.
Myopathy, myofibrillar, 9, with early respiratory failure (MFM9). Also called: MYOPATHY, PROXIMAL, WITH EARLY RESPIRATORY MUSCLE INVOLVEMENT; Hereditary myopathy with early respiratory failure; EDSTROM MYOPATHY; Myopathy, distal, with early respiratory failure, autosomal dominant. Identifiers: Orphanet 178464, Orphanet 34521, MedGen C1863599, MONDO:0011362, OMIM 603689.

Submissions (5):

Labcorp Genetics (formerly Invitae), Labcorp
Classification: Likely pathogenic for Dilated cardiomyopathy 1G; Autosomal recessive limb-girdle muscular dystrophy type 2J. Last evaluated: 2026-01-04. Review status: criteria provided, single submitter. Criteria: Invitae Variant Classification Sherloc (09022015). Collection method: clinical testing. Allele origin: germline.
Comment: This variant results in the deletion of part of exon 168 (c.36267_36280+16del) of the TTN gene. It is expected to disrupt RNA splicing and likely results in a truncated or disrupted TTN protein. This variant is present in population databases (rs745871962, gnomAD 0.02%). This variant has been observed in individual(s) with clinical features of cardio-related condition(s) (PMID: 31691645). ClinVar contains an entry for this variant (Variation ID: 809022). This variant is located in the I band of TTN (PMID: 25589632). Truncating variants in this region have been reported in individuals affected with autosomal recessive centronuclear myopathy (PMID: 23975875, internal data). Truncating variants in this region have also been identified in individuals affected with autosomal dominant dilated cardiomyopathy and/or cardio-related conditions (PMID: 27869827, 32964742, internal data). In summary, the currently available evidence indicates that the variant is pathogenic, but additional data are needed to prove that conclusively. Therefore, this variant has been classified as Likely Pathogenic.

GeneDx
Classification: Uncertain significance. Last evaluated: 2025-05-20. Review status: criteria provided, single submitter. Criteria: GeneDx Variant Classification Process June 2021. Collection method: clinical testing. Allele origin: germline. Affected: yes.
Comment: Canonical splice site variant predicted to result in an in-frame loss of the adjacent exon in a gene for which loss of function is a known mechanism of disease; This variant is associated with the following publications: (PMID: 35177841, 27625338, 27869827, 32778822)

Women's Health and Genetics/Laboratory Corporation of America, LabCorp
Classification: Likely pathogenic for Primary familial dilated cardiomyopathy. Last evaluated: 2025-01-16. Review status: criteria provided, single submitter. Criteria: LabCorp Variant Classification Summary - May 2015. Collection method: clinical testing. Allele origin: germline.
Comment: Variant summary: TTN c.31484-1418_31484-1389del30 (also known as NM_001267550:c.36267_36280+16del30) is located at a position not widely known to affect splicing. Several computational tools predict a significant impact on normal splicing: Four predict the variant abolishes a 5' splicing donor site. However, these predictions have yet to be confirmed by functional studies. Loss of function variants in all TTN bands are strongly associated with a spectrum of autosomal recessive titinopathies when exon expression (proportion spliced in, PSI, 1=complete expression) in skeletal muscle is >0.1 (PMID: 36977548, 39198997, 29598826, 32778822, 29691892, 33449170, 36977548, internal data). In contrast, loss of function variants in all TTN bands are only strongly associated with autosomal dominant TTN-related cardiomyopathies if located in exons constitutively expressed (PSI >0.9) in cardiac muscle, excluding extreme C-terminal exons 359-363 (PMID: 25589632, 31216868, 32964742, 34662387, 27869827, Shetty et al., Nat Cardiovasc Res 2024,, internal data). This variant has a maximum skeletal muscle PSI of 0.626 and a maximum cardiac muscle PSI of 0.020. The variant allele was found at a frequency of 8.4e-05 in 225022 control chromosomes. This frequency is not significantly higher than estimated for a pathogenic variant in TTN causing Dilated Cardiomyopathy (8.4e-05 vs 0.00039), allowing no conclusion about variant significance. c.31484-1418_31484-1389del30 has been reported in the heterozygous state in the literature in individuals affected with TTN-related cardiac conditions, as well as controls (Choi_2020, Jurgens_2022). These report(s) do not provide unequivocal conclusions about association of the variant with TTN-related conditions. To our knowledge, no experimental evidence demonstrating an impact on protein function has been reported. The following publications have been ascertained in the context of this evaluation (PMID: 31691645, 35177841). ClinVar contains an entry for this variant (Variation ID: 809022). Based on the evidence outline above, the variant has been classified as Likely Pathogenic for autosomal recessive TTN-related conditions.

New York Genome Center
Classification: Uncertain significance for Hypertrophic cardiomyopathy 9; Dilated cardiomyopathy 1G. Last evaluated: 2022-04-08. Review status: criteria provided, single submitter. Criteria: NYGC Assertion Criteria 2020. Collection method: clinical testing. Allele origin: germline. Observed: 1 heterozygote.
Comment: The c.36267_36280+16del variant is a 30 base-pair (bps) deletion in the TTN gene which removes the last 14 nucleotides of exon 168 (of 363) and the first 16 nucleotides of the adjacent intron 168 (of 362) of the inferred complete meta-transcript. The deleted region includes the canonical splice-site of exon/intron 168 and is expected to alter the normal mRNA splicing of this inferred meta-transcript. However, this exon 168 of the inferred meta-transcript is not constitutively expressed in any of the TTN transcripts as indicated by a very low PSI (percentage spliced in) score which is an estimate of the percentage of TTN transcripts that incorporate agiven exon. The c.36267_36280+16del variant has not been reported in affected individuals in the literature. The variant has 0.00009204 allele frequency in the gnomAD (v3.1.2) database (14 out of 152104 heterozygous alleles, no homozygotes) suggesting it is not a common benign variant in the populations represented in that database. This variant is reported as a variant of uncertain significance in the ClinVar database (Variation ID:809022). Based on the available evidence, the c.36267_36280+16del variant identified in the TTN gene is reported as a variant of uncertain significance.

Fulgent Genetics
Classification: Uncertain significance for Tibial muscular dystrophy; Myopathy, myofibrillar, 9, with early respiratory failure; Dilated cardiomyopathy 1G; Autosomal recessive limb-girdle muscular dystrophy type 2J; Early-onset myopathy with fatal cardiomyopathy; Hypertrophic cardiomyopathy 9. Last evaluated: 2021-10-16. Review status: criteria provided, single submitter. Criteria: ACMG Guidelines, 2015. Collection method: clinical testing. Allele origin: unknown.

Literature cited by the submitters: PubMed 31691645 (cited by Labcorp Genetics (formerly Invitae), Labcorp and Women's Health and Genetics/Laboratory Corporation of America, LabCorp); PubMed 25589632 (cited by Labcorp Genetics (formerly Invitae), Labcorp); PubMed 23975875 (cited by Labcorp Genetics (formerly Invitae), Labcorp); PubMed 27869827 (cited by Labcorp Genetics (formerly Invitae), Labcorp); PubMed 32964742 (cited by Labcorp Genetics (formerly Invitae), Labcorp); PubMed 35177841 (cited by Women's Health and Genetics/Laboratory Corporation of America, LabCorp).